The following is an entry in ClinVar:

ClinVar aggregate classification (germline): Benign/Likely benign. Review status: criteria provided, multiple submitters, no conflicts (2 of 4 stars). 2 submissions from 2 submitters: Benign (1); Likely benign (1). Last evaluated 2026-08-03.

Conditions:
Familial colorectal cancer type X. Identifiers: Orphanet 440437, MedGen C3896578, MONDO:0018604.

Allele frequency attached by ClinVar (database versions not stated): TOPMed 0.00001; gnomAD exomes below 0.00001.
gnomAD v4.1: 4 of 1,611,550 alleles (0.00025%); highest among the groups gnomAD compares: Non-Finnish European, 0.00025%; no homozygotes.

Submissions (2):

Myriad Genetics, Inc.
Classification: Benign for Familial colorectal cancer type X. Last evaluated: 2026-08-03. Review status: criteria provided, single submitter. Criteria: Myriad Autosomal Dominant, Autosomal Recessive and X-Linked Classification Criteria (2023). Collection method: clinical testing. Allele origin: unknown.
Comment: This variant is considered benign. This variant is a silent/synonymous amino acid change and it is not expected to impact splicing.

Ambry Genetics
Classification: Likely benign. Last evaluated: 2022-06-07. Review status: criteria provided, single submitter. Criteria: Ambry Variant Classification Scheme 2023. Collection method: clinical testing. Allele origin: germline.

NM_001023.4(RPS20):c.12G>A (p.Lys4=)

Gene: RPS20 (ribosomal protein S20; minus strand). Cytogenetic location: 8q12.1.
Variant type: single nucleotide variant.
Coding change: c.12G>A on transcript NM_001023.4 (MANE Select); coding-DNA position 12, G replaced by A.
Protein change: p.Lys4=; no amino-acid change (lysine 4 retained).
Molecular consequence: synonymous variant.
Genome position (GRCh38, 1-based): chr8:56,074,151, C>T on the plus strand (G>A on the coding strand, the complement: RPS20 is on the minus strand). VCF-style: chr8-56074151-C-T. GRCh37 (hg19) VCF-style: chr8-56986710-C-T.
Other names: c.12G>A, p.Lys4= (NM_001146227.3).
Identifiers: ClinVar variation 1769366 (VCV001769366.3), dbSNP rs1386158755, ClinGen allele CA461101688.